The following is an entry in ClinVar:

NM_001481.3(DRC4):c.1105_1106insTA (p.Arg369fs)

Gene: DRC4 (dynein regulatory complex subunit 4; plus strand). Cytogenetic location: 16q24.3.
Variant type: Insertion.
Coding change: c.1105_1106insTA on transcript NM_001481.3 (MANE Select); coding-DNA positions 1105 to 1106, TA inserted.
Protein change: p.Arg369fs; shifts the reading frame from arginine 369.
Molecular consequence: frameshift variant. On other transcripts: non-coding transcript variant (1).
Genome position: GRCh38 VCF-style: chr16-90040393-C-CTA. GRCh37 (hg19) VCF-style: chr16-90106801-C-CTA.
Other names: c.856_857insTA, p.Arg286fs (NM_001286205.2); c.529_530insTA, p.Arg177fs (NM_001286208.2); c.1030_1031insTA, p.Arg344fs (NM_001286209.2); short protein forms R286fs, R369fs, R177fs, R344fs.
Identifiers: ClinVar variation 3639758 (VCV003639758.2).

ClinVar aggregate classification (germline): Pathogenic (1 of 4 stars; one submission).

Conditions:
Primary ciliary dyskinesia 33. Also called: CILIARY DYSKINESIA, PRIMARY, 33, WITHOUT SITUS INVERSUS. Identifiers: Orphanet 244, MedGen C4225230, MONDO:0014750, OMIM 616726.

Submission:

Labcorp Genetics (formerly Invitae), Labcorp
Classification: Pathogenic for Primary ciliary dyskinesia 33. Last evaluated: 2024-06-25. Review status: criteria provided, single submitter. Criteria: Invitae Variant Classification Sherloc (09022015). Collection method: clinical testing. Allele origin: germline.
Comment: This sequence change creates a premature translational stop signal (p.Arg369Leufs*7) in the GAS8 gene. It is expected to result in an absent or disrupted protein product. Loss-of-function variants in GAS8 are known to be pathogenic (PMID: 26387594). This variant is not present in population databases (gnomAD no frequency). This variant has not been reported in the literature in individuals affected with GAS8-related conditions. For these reasons, this variant has been classified as Pathogenic.

Literature cited by the submitters: PubMed 26387594.